The following is an entry in ClinVar:

NM_178452.6(DNAAF1):c.1644+6T>C

Gene: DNAAF1 (dynein axonemal assembly factor 1; plus strand). Cytogenetic location: 16q24.1.
Variant type: single nucleotide variant.
Coding change: c.1644+6T>C on transcript NM_178452.6 (MANE Select); 6 bases into the intron after coding-DNA position 1644, T replaced by C.
Molecular consequence: intron variant.
Genome position (GRCh38, 1-based): chr16:84,172,381, T>C. VCF-style: chr16-84172381-T-C. GRCh37 (hg19) VCF-style: chr16-84205987-T-C.
Other names: c.936+6T>C (NM_001318756.1).
Identifiers: ClinVar variation 639673 (VCV000639673.7), dbSNP rs749557708, ClinGen allele CA8202942.

ClinVar aggregate classification (germline): Uncertain significance (1 of 4 stars; one submission).

Conditions:
Primary ciliary dyskinesia. Also called: Ciliary dyskinesia. Identifiers: Orphanet 244, MedGen C0008780, MONDO:0016575, HP:0012265.

Allele frequency attached by ClinVar (database versions not stated): gnomAD exomes below 0.00001; ExAC 0.00001; gnomAD 0.00001.
gnomAD v4.1: 5 of 1,613,720 alleles (0.00031%); highest among the groups gnomAD compares: Non-Finnish European, 0.00042%; no homozygotes.

Submission:

Labcorp Genetics (formerly Invitae), Labcorp
Classification: Uncertain significance for Primary ciliary dyskinesia. Last evaluated: 2018-10-08. Review status: criteria provided, single submitter. Criteria: Invitae Variant Classification Sherloc (09022015). Collection method: clinical testing. Allele origin: germline.
Comment: This sequence change falls in intron 9 of the DNAAF1 gene. It does not directly change the encoded amino acid sequence of the DNAAF1 protein, but it affects a nucleotide within the consensus splice site of the intron. In summary, the available evidence is currently insufficient to determine the role of this variant in disease. Therefore, it has been classified as a Variant of Uncertain Significance. Nucleotide substitutions within the consensus splice site are a relatively common cause of aberrant splicing (PMID: 17576681, 9536098). Algorithms developed to predict the effect of sequence changes on RNA splicing suggest that this variant is not likely to affect RNA splicing, but this prediction has not been confirmed by published transcriptional studies. This variant has not been reported in the literature in individuals with DNAAF1-related disease. This variant is present in population databases (rs749557708, ExAC 0.002%).

Literature cited by the submitters: PubMed 17576681; PubMed 9536098.